The following is an entry in ClinVar:

NM_144499.3(GNAT1):c.291+1G>A

Gene: GNAT1 (G protein subunit alpha transducin 1; plus strand). Cytogenetic location: 3p21.31.
Variant type: single nucleotide variant.
Coding change: c.291+1G>A on transcript NM_144499.3 (MANE Select); the canonical splice donor site of the intron after coding-DNA position 291, G replaced by A.
Molecular consequence: splice donor variant.
Genome position (GRCh38, 1-based): chr3:50,193,407, G>A. VCF-style: chr3-50193407-G-A. GRCh37 (hg19) VCF-style: chr3-50230840-G-A.
Other names: c.291+1G>A (NM_000172.4).
Identifiers: ClinVar variation 4885641 (VCV004885641.2).
Genomic context (GRCh38, chr3:50,193,407, plus strand): 5'-CTGGCCATCGTACGCGCCATGACCACACTCAACATCCAGTACGGAGACTCTGCACGCCAG[G>A]TGTGCCAGGAGGCGGGCTGAGCGGGCCTCTGGGGACTCGAGGCTCGCGGCTGGGCCCGAG-3'

ClinVar aggregate classification (germline): Likely pathogenic (1 of 4 stars; one submission).

gnomAD v4.1: 5 of 1,613,982 alleles (0.00031%); highest among the groups gnomAD compares: Non-Finnish European, 0.00042%; no homozygotes.

Submission:

Dasa
Classification: Likely pathogenic. Last evaluated: 2025-01-30. Review status: criteria provided, single submitter. Criteria: DASA Assertion Criteria. Collection method: clinical testing. Allele origin: germline.
Comment: NM_144499.3(GNAT1):c.291+1G>A affects a canonical splice site and is predicted to disrupt normal RNA splicing. Loss of function is an established disease mechanism for GNAT1-associated disorders. Also, this variant is rare in population databases. Based on the currently available evidence, this variant is classified as likely pathogenic.